The following is an entry in ClinVar:

NM_001101426.4(CRPPA):c.993C>G (p.Ile331Met)

Genes: CRPPA-AS1 (CRPPA antisense RNA 1; plus strand), CRPPA (CDP-L-ribitol pyrophosphorylase A; minus strand). Cytogenetic location: 7p21.2.
Variant type: single nucleotide variant.
Coding change: c.993C>G on transcript NM_001101426.4 (MANE Select); coding-DNA position 993, C replaced by G.
Protein change: p.Ile331Met; replaces isoleucine 331 with methionine.
Molecular consequence: missense variant. On other transcripts: non-coding transcript variant (1).
Genome position (GRCh38, 1-based): chr7:16,258,953, G>C on the plus strand (C>G on the coding strand, the complement: CRPPA is on the minus strand). VCF-style: chr7-16258953-G-C. GRCh37 (hg19) VCF-style: chr7-16298578-G-C.
Other names: c.843C>G, p.Ile281Met (NM_001101417.4); c.888C>G, p.Ile296Met (NM_001368197.1); short protein forms I281M, I296M, I331M.
Identifiers: ClinVar variation 999610 (VCV000999610.9), dbSNP rs1783720553, ClinGen allele CA367000769.
Genomic context (GRCh38, chr7:16,258,953, plus strand): 5'-TGCCTTCAATCATTTGAATTGACTTACATTCACACAAACAAAATTGTAGCATTGATCTAA[G>C]ATGATTTGCTGAAGATGTCTGCCAGCATGACCCAGAGCCTCAGATGTGACTTTTACATGC-3'
Protein context (NP_001094896.1, residues 321-341): GHAGRHLQQI[Ile331Met]LDQCYNFVCV

ClinVar aggregate classification (germline): Uncertain significance (1 of 4 stars; one submission).

Conditions:
Muscular dystrophy-dystroglycanopathy (congenital with brain and eye anomalies), type A, 7. Also called: WALKER-WARBURG SYNDROME OR MUSCLE-EYE-BRAIN DISEASE, ISPD-RELATED; Congenital muscular dystrophy-dystroglycanopathy with brain and eye anomalies, type A7. Identifiers: Orphanet 899, MedGen C3553330, MONDO:0013835, OMIM 614643.
Autosomal recessive limb-girdle muscular dystrophy type 2U. Also called: MUSCULAR DYSTROPHY, LIMB-GIRDLE, TYPE 2U; Muscular dystrophy-dystroglycanopathy (limb-girdle), type c, 7. Identifiers: Orphanet 352479, MedGen C5190987, MONDO:0014474, OMIM 616052.

Allele frequency attached by ClinVar (database versions not stated): gnomAD 0.00001.
gnomAD v4.1: 1 of 1,610,972 alleles (0.000062%); highest among the groups gnomAD compares: Admixed American, 0.0017%; no homozygotes.

Submission:

Labcorp Genetics (formerly Invitae), Labcorp
Classification: Uncertain significance for Muscular dystrophy-dystroglycanopathy (congenital with brain and eye anomalies), type A, 7; Autosomal recessive limb-girdle muscular dystrophy type 2U. Last evaluated: 2022-07-05. Review status: criteria provided, single submitter. Criteria: Invitae Variant Classification Sherloc (09022015). Collection method: clinical testing. Allele origin: germline.
Comment: This variant is not present in population databases (gnomAD no frequency). This variant has not been reported in the literature in individuals affected with ISPD-related conditions. ClinVar contains an entry for this variant (Variation ID: 999610). Algorithms developed to predict the effect of missense changes on protein structure and function (SIFT, PolyPhen-2, Align-GVGD) all suggest that this variant is likely to be tolerated. Algorithms developed to predict the effect of sequence changes on RNA splicing suggest that this variant may disrupt the consensus splice site. In summary, the available evidence is currently insufficient to determine the role of this variant in disease. Therefore, it has been classified as a Variant of Uncertain Significance. This sequence change replaces isoleucine, which is neutral and non-polar, with methionine, which is neutral and non-polar, at codon 331 of the ISPD protein (p.Ile331Met).